The following is an entry in ClinVar:

ClinVar aggregate classification (germline): Uncertain significance (1 of 4 stars; one submission).

Conditions:
NOD2-related disorder. Also called: NOD2-related condition.

Submission:

PreventionGenetics, part of Exact Sciences
Classification: Uncertain significance for NOD2-related condition. Last evaluated: 2023-07-12. Review status: criteria provided, single submitter. Criteria: ACMG Guidelines, 2015. Collection method: clinical testing. Allele origin: germline.
Comment: The NOD2 c.2371C>G variant is predicted to result in the amino acid substitution p.Arg791Gly. To our knowledge, this variant has not been reported in the literature or in a large population database, indicating this variant is rare. At this time, the clinical significance of this variant is uncertain due to the absence of conclusive functional and genetic evidence.

NM_001370466.1(NOD2):c.2290C>G (p.Arg764Gly)

Gene: NOD2 (nucleotide binding oligomerization domain containing 2; plus strand). Cytogenetic location: 16q12.1.
Variant type: single nucleotide variant.
Coding change: c.2290C>G on transcript NM_001370466.1 (MANE Select); coding-DNA position 2290, C replaced by G.
Protein change: p.Arg764Gly; replaces arginine 764 with glycine.
Molecular consequence: missense variant. On other transcripts: non-coding transcript variant (1).
Genome position (GRCh38, 1-based): chr16:50,712,282, C>G. VCF-style: chr16-50712282-C-G. GRCh37 (hg19) VCF-style: chr16-50746193-C-G.
Other names: c.2290C>G, p.Arg764Gly (NM_001293557.2); c.2371C>G, p.Arg791Gly (NM_022162.3); short protein forms R764G, R791G.
Identifiers: ClinVar variation 2631489 (VCV002631489.1), dbSNP rs104895484, ClinGen allele CA395872004.